The following is an entry in ClinVar:

ClinVar aggregate classification (germline): Likely benign (0 of 4 stars; one submission).

Conditions:
P2RX1-related disorder. Also called: P2RX1-related condition.

Allele frequency attached by ClinVar (database versions not stated): TOPMed 0.00019; ESP Exome Variant Server 0.00023; gnomAD exomes 0.00024; gnomAD 0.00025; ExAC 0.00049; 1000 Genomes Project 30x 0.00109; 1000 Genomes Project 0.00140.

Submission:

PreventionGenetics, part of Exact Sciences
Classification: Likely benign for P2RX1-related condition. Last evaluated: 2023-12-24. Review status: no assertion criteria provided. Collection method: clinical testing. Allele origin: germline.
Comment: This variant is classified as likely benign based on ACMG/AMP sequence variant interpretation guidelines (Richards et al. 2015 PMID: 25741868, with internal and published modifications).

NM_002558.4(P2RX1):c.138-6G>A

Gene: P2RX1 (purinergic receptor P2X 1; minus strand). Cytogenetic location: 17p13.2.
Variant type: single nucleotide variant.
Coding change: c.138-6G>A on transcript NM_002558.4 (MANE Select); 6 bases into the intron before coding-DNA position 138, G replaced by A.
Molecular consequence: intron variant.
Genome position (GRCh38, 1-based): chr17:3,905,373, C>T on the plus strand (G>A on the coding strand, the complement: P2RX1 is on the minus strand). VCF-style: chr17-3905373-C-T. GRCh37 (hg19) VCF-style: chr17-3808667-C-T.
Identifiers: ClinVar variation 3044871 (VCV003044871.2), dbSNP rs200786295, ClinGen allele CA8296407.